The following is an entry in ClinVar:

NM_015102.5(NPHP4):c.2919G>C (p.Leu973=)

Gene: NPHP4 (nephrocystin 4; minus strand). Cytogenetic location: 1p36.31.
Variant type: single nucleotide variant.
Coding change: c.2919G>C on transcript NM_015102.5 (MANE Select); coding-DNA position 2919, G replaced by C.
Protein change: p.Leu973=; no amino-acid change (leucine 973 retained).
Molecular consequence: synonymous variant. On other transcripts: non-coding transcript variant (1).
Genome position (GRCh38, 1-based): chr1:5,874,999, C>G on the plus strand (G>C on the coding strand, the complement: NPHP4 is on the minus strand). VCF-style: chr1-5874999-C-G. GRCh37 (hg19) VCF-style: chr1-5935059-C-G.
Other names: c.1380G>C, p.Leu460= (NM_001291593.2); c.1383G>C, p.Leu461= (NM_001291594.2).
Identifiers: ClinVar variation 4993252 (VCV004993252.1).
Genomic context (GRCh38, chr1:5,874,999, plus strand): 5'-AAACTCAAAGAACTCGGCGACCCCCAGCGTGGCGTGGAGCGTGTGCTCCGTGGTGATGGC[C>G]AGGCTCAGCAGGCTGGCGATGCTCTCGGCCTTCGTGCGTTCCCGGTAGGCGGCGATGACC-3'
Protein context (NP_055917.1, residues 963-983): KAESIASLLS[Leu973=]AITTEHTLHA

ClinVar aggregate classification (germline): Likely benign (1 of 4 stars; one submission).

Conditions:
NPHP4-related disorder. Also called: NPHP4-related condition; NPHP4-related disorders. Identifiers: MedGen CN239384.

gnomAD v4.1: 3 of 1,612,114 alleles (0.00019%); highest among the groups gnomAD compares: Non-Finnish European, 0.00025%; no homozygotes.

Submission:

PreventionGenetics, part of Exact Sciences
Classification: Likely benign for NPHP4-related condition. Last evaluated: 2026-09-15. Review status: criteria provided, single submitter. Criteria: ACMG Guidelines, 2015. Collection method: clinical testing. Allele origin: germline.
Comment: This variant is classified as likely benign based on ACMG/AMP sequence variant interpretation guidelines (Richards et al. 2015 PMID: 25741868, with internal and published modifications).